The following is an entry in ClinVar:

ClinVar aggregate classification (germline): Likely benign. Review status: criteria provided, multiple submitters, no conflicts (2 of 4 stars). 2 submissions from 2 submitters: Likely benign (2). Last evaluated 2025-11-22.

Conditions:
Glycogen storage disease type III (GSD3). Also called: Cori disease; FORBES DISEASE. Identifiers: Orphanet 366, MedGen C0017922, MONDO:0009291, OMIM 232400.

Submissions (2):

Mayo Clinic Laboratories, Mayo Clinic
Classification: Likely benign. Last evaluated: 2025-11-22. Review status: criteria provided, single submitter. Criteria: ACMG Guidelines, 2015. Collection method: clinical testing. Allele origin: germline. Observed: 1 variant allele.
Comment: BP4, BP7

Labcorp Genetics (formerly Invitae), Labcorp
Classification: Likely benign for Glycogen storage disease type III. Last evaluated: 2021-08-05. Review status: criteria provided, single submitter. Criteria: Invitae Variant Classification Sherloc (09022015). Collection method: clinical testing. Allele origin: germline.

NM_000642.3(AGL):c.1803T>A (p.Val601=)

Gene: AGL (amylo-alpha-1,6-glucosidase and 4-alpha-glucanotransferase; plus strand). Cytogenetic location: 1p21.2.
Variant type: single nucleotide variant.
Coding change: c.1803T>A on transcript NM_000642.3 (MANE Select); coding-DNA position 1803, T replaced by A.
Protein change: p.Val601=; no amino-acid change (valine 601 retained).
Molecular consequence: synonymous variant.
Genome position (GRCh38, 1-based): chr1:99,880,699, T>A. VCF-style: chr1-99880699-T-A. GRCh37 (hg19) VCF-style: chr1-100346255-T-A.
Other names: p.Val601=; c.1803T>A, p.Val601= (NM_000028.3, NM_000643.3, NM_000644.3 and 2 more transcripts); c.1755T>A, p.Val585= (NM_000646.3); c.1602T>A, p.Val534= (NM_001425327.1); c.1599T>A, p.Val533= (NM_001425328.1, NM_001425329.1); c.1425T>A, p.Val475= (NM_001425332.1).
Identifiers: ClinVar variation 1563517 (VCV001563517.9), dbSNP rs2101148745, ClinGen allele CA419080829.